The following is an entry in ClinVar:

ClinVar aggregate classification (germline): Uncertain significance. Review status: criteria provided, multiple submitters, no conflicts (2 of 4 stars). 4 submissions from 4 submitters: Uncertain significance (4). Last evaluated 2025-11-23.

Conditions:
Polycystic liver disease 4 with or without kidney cysts. Identifiers: MedGen C4693479, MONDO:0044327, OMIM 617875.
Osteoporosis with pseudoglioma (OPPG). Also called: osteoporosis-pseudoglioma syndrome. Identifiers: Orphanet 2788, MedGen C0432252, MONDO:0009820, OMIM 259770.
Exudative vitreoretinopathy 4 (EVR4). Identifiers: Orphanet 891, MedGen C1866176, MONDO:0011151, OMIM 601813.
Autosomal dominant osteopetrosis 1 (OPTA1). Also called: OSTEOPETROSIS, AUTOSOMAL DOMINANT, TYPE I. Identifiers: Orphanet 2783, MedGen C1843330, MONDO:0011877, OMIM 607634.
Worth disease. Also called: ENDOSTEAL HYPEROSTOSIS, AUTOSOMAL DOMINANT; OSTEOSCLEROSIS, AUTOSOMAL DOMINANT; Autosomal dominant osteosclerosis, Worth type. Identifiers: Orphanet 2790, MedGen C0432273, MONDO:0007764, OMIM 144750.
Bone mineral density quantitative trait locus 1 (BMND1). Identifiers: MedGen C1866079, OMIM 601884.
LRP5-related disorder. Also called: LRP5-related condition.

Allele frequency attached by ClinVar (database versions not stated): ExAC 0.00002; gnomAD exomes 0.00003 and 0.00004; TOPMed 0.00006.
gnomAD v4.1: 52 of 1,588,214 alleles (0.0033%); highest among the groups gnomAD compares: African/African-American, 0.019%; no homozygotes.

Submissions (4):

Labcorp Genetics (formerly Invitae), Labcorp
Classification: Uncertain significance. Last evaluated: 2025-11-23. Review status: criteria provided, single submitter. Criteria: Invitae Variant Classification Sherloc (09022015). Collection method: clinical testing. Allele origin: germline.
Comment: This sequence change replaces glycine, which is neutral and non-polar, with serine, which is neutral and polar, at codon 333 of the LRP5 protein (p.Gly333Ser). This variant is present in population databases (rs759297600, gnomAD 0.03%). This missense change has been observed in individual(s) with clinical features of LRP5-related conditions (PMID: 34639175). ClinVar contains an entry for this variant (Variation ID: 862592). Invitae Evidence Modeling of protein sequence and biophysical properties (such as structural, functional, and spatial information, amino acid conservation, physicochemical variation, residue mobility, and thermodynamic stability) has been performed for this missense variant. However, the output from this modeling did not meet the statistical confidence thresholds required to predict the impact of this variant on LRP5 protein function. In summary, the available evidence is currently insufficient to determine the role of this variant in disease. Therefore, it has been classified as a Variant of Uncertain Significance.

PreventionGenetics, part of Exact Sciences
Classification: Uncertain significance for LRP5-related condition. Last evaluated: 2025-11-10. Review status: criteria provided, single submitter. Criteria: ACMG Guidelines, 2015. Collection method: clinical testing. Allele origin: germline.
Comment: The LRP5 c.997G>A variant is predicted to result in the amino acid substitution p.Gly333Ser. This variant has previously been reported in an individual with impaired bone mass (Rocca et al. 2021. PubMed ID: 34639175). This variant is reported in 0.024% of alleles in individuals of African descent in gnomAD. At this time, the clinical significance of this variant is uncertain due to the absence of conclusive functional and genetic evidence.

Fulgent Genetics
Classification: Uncertain significance for Worth disease; Osteoporosis with pseudoglioma; Exudative vitreoretinopathy 4; Bone mineral density quantitative trait locus 1; Autosomal dominant osteopetrosis 1; Polycystic liver disease 4 with or without kidney cysts. Last evaluated: 2024-04-12. Review status: criteria provided, single submitter. Criteria: ACMG Guidelines, 2015. Collection method: clinical testing. Allele origin: germline.

Blueprint Genetics
Classification: Uncertain significance. Last evaluated: 2024-03-14. Review status: criteria provided, single submitter. Criteria: ACMG Guidelines, 2015. Collection method: clinical testing. Allele origin: germline.

Literature cited by the submitters: PubMed 34639175 (cited by Labcorp Genetics (formerly Invitae), Labcorp).

NM_002335.4(LRP5):c.997G>A (p.Gly333Ser)

Gene: LRP5 (LDL receptor related protein 5; plus strand). Cytogenetic location: 11q13.2.
Variant type: single nucleotide variant.
Coding change: c.997G>A on transcript NM_002335.4 (MANE Select); coding-DNA position 997, G replaced by A.
Protein change: p.Gly333Ser; replaces glycine 333 with serine.
Molecular consequence: missense variant. On other transcripts: 5 prime UTR variant (1).
Genome position (GRCh38, 1-based): chr11:68,365,684, G>A. VCF-style: chr11-68365684-G-A. GRCh37 (hg19) VCF-style: chr11-68133152-G-A.
Other names: c.-769G>A (NM_001291902.2); short protein forms G333S.
Identifiers: ClinVar variation 862592 (VCV000862592.12), dbSNP rs759297600, ClinGen allele CA6149178.
Genomic context (GRCh38, chr11:68,365,684, plus strand): 5'-TCCCCAAGCGAGCCTTTCTACACATGCGCCTGCCCCACGGGTGTGCAGCTGCAGGACAAC[G>A]GCAGGACGTGTAAGGCAGGTGAGGCGGTGGGACGGGACGGGGCGGGCGGGCGGGGCGGGG-3'
Protein context (NP_002326.2, residues 323-343): CPTGVQLQDN[Gly333Ser]RTCKAGAEEV